The following is an entry in ClinVar:

NM_002691.4(POLD1):c.83C>G (p.Ala28Gly)

Gene: POLD1 (DNA polymerase delta 1, catalytic subunit; plus strand). Cytogenetic location: 19q13.33.
Variant type: single nucleotide variant.
Coding change: c.83C>G on transcript NM_002691.4 (MANE Select); coding-DNA position 83, C replaced by G.
Protein change: p.Ala28Gly; replaces alanine 28 with glycine.
Molecular consequence: missense variant. On other transcripts: non-coding transcript variant (1).
Genome position (GRCh38, 1-based): chr19:50,398,934, C>G. VCF-style: chr19-50398934-C-G. GRCh37 (hg19) VCF-style: chr19-50902191-C-G.
Other names: c.83C>G, p.Ala28Gly (NM_001256849.1, NM_001308632.1); short protein forms A28G.
Identifiers: ClinVar variation 1497309 (VCV001497309.8), dbSNP rs765097158, ClinGen allele CA406970107.

ClinVar aggregate classification (germline): Uncertain significance (1 of 4 stars; one submission).

Conditions:
POLD1-related polyposis and colorectal cancer syndrome (CRCS10). Also called: Colorectal cancer 10; COLORECTAL CANCER, SUSCEPTIBILITY TO, ON CHROMOSOME 19q; Colorectal cancer, susceptibility to, 10. Identifiers: Orphanet 220460, MedGen C2675481, MONDO:0012953, OMIM 612591.

gnomAD v4.1: 1 of 1,594,382 alleles (0.000063%); highest among the groups gnomAD compares: Non-Finnish European, 0.000085%; no homozygotes.

Submission:

Labcorp Genetics (formerly Invitae), Labcorp
Classification: Uncertain significance for POLD1-related polyposis and colorectal cancer syndrome. Last evaluated: 2020-12-09. Review status: criteria provided, single submitter. Criteria: Invitae Variant Classification Sherloc (09022015). Collection method: clinical testing. Allele origin: germline.
Comment: In summary, the available evidence is currently insufficient to determine the role of this variant in disease. Therefore, it has been classified as a Variant of Uncertain Significance. Algorithms developed to predict the effect of missense changes on protein structure and function (SIFT, PolyPhen-2, Align-GVGD) all suggest that this variant is likely to be tolerated, but these predictions have not been confirmed by published functional studies and their clinical significance is uncertain. This variant has not been reported in the literature in individuals with POLD1-related conditions. This variant is not present in population databases (ExAC no frequency). This sequence change replaces alanine with glycine at codon 28 of the POLD1 protein (p.Ala28Gly). The alanine residue is weakly conserved and there is a small physicochemical difference between alanine and glycine.